The following is an entry in ClinVar:

NM_001005273.3(CHD3):c.4204C>T (p.Arg1402Ter)

Gene: CHD3 (chromodomain helicase DNA binding protein 3; plus strand). Cytogenetic location: 17p13.1.
Variant type: single nucleotide variant.
Coding change: c.4204C>T on transcript NM_001005273.3 (MANE Select); coding-DNA position 4204, C replaced by T.
Protein change: p.Arg1402Ter; replaces arginine 1402 with a stop codon.
Molecular consequence: nonsense.
Genome position (GRCh38, 1-based): chr17:7,905,686, C>T. VCF-style: chr17-7905686-C-T. GRCh37 (hg19) VCF-style: chr17-7809004-C-T.
Other names: c.4381C>T, p.Arg1461Ter (NM_001005271.3, NM_001437504.1); c.4369C>T, p.Arg1457Ter (NM_001437507.1, NM_001437508.1, NM_001437509.1); c.4204C>T, p.Arg1402Ter (NM_005852.4); short protein forms R1402*, R1457*, R1461*.
Identifiers: ClinVar variation 4528065 (VCV004528065.1).
Genomic context (GRCh38, chr17:7,905,686, plus strand): 5'-AGACAGTCAAAGAGGCAGCTCCGGAATGAGAAAGATAAGCCACTGCCTCCACTGCTGGCC[C>T]GAGTCGGGGGCAACATTGAGGTGAGAGCTGGGCCCAGTGTTCCTGAGTTCTCCAAGAGGG-3'

ClinVar aggregate classification (germline): Likely pathogenic (1 of 4 stars; one submission).

gnomAD v4.1: 1 of 1,611,634 alleles (0.000062%); highest among the groups gnomAD compares: Non-Finnish European, 0.000085%; no homozygotes.

Submission:

GeneDx
Classification: Likely pathogenic. Last evaluated: 2025-05-04. Review status: criteria provided, single submitter. Criteria: GeneDx Variant Classification Process June 2021. Collection method: clinical testing. Allele origin: germline. Affected: yes.
Comment: Nonsense variant predicted to result in protein truncation or nonsense mediated decay in a gene for which loss of function is a known mechanism of disease; Not observed at significant frequency in large population cohorts (gnomAD); Has not been previously published as pathogenic or benign to our knowledge